The following is an entry in ClinVar:

NM_004145.4(MYO9B):c.660C>T (p.Asp220=)

Gene: MYO9B (myosin IXB; plus strand). Cytogenetic location: 19p13.11.
Variant type: single nucleotide variant.
Coding change: c.660C>T on transcript NM_004145.4 (MANE Select); coding-DNA position 660, C replaced by T.
Protein change: p.Asp220=; no amino-acid change (aspartic acid 220 retained).
Molecular consequence: synonymous variant.
Genome position (GRCh38, 1-based): chr19:17,102,377, C>T. VCF-style: chr19-17102377-C-T. GRCh37 (hg19) VCF-style: chr19-17213187-C-T.
Other names: c.660C>T, p.Asp220= (NM_001130065.2); c.660C>T (NM_001130065.1).
Identifiers: ClinVar variation 782644 (VCV000782644.7), dbSNP rs61009079, ClinGen allele CA9287005.

ClinVar aggregate classification (germline): Benign. Review status: criteria provided, multiple submitters, no conflicts (2 of 4 stars). 3 submissions from 3 submitters: Benign (2). 1 of the submissions does not count toward it. Last evaluated 2019-12-31.

Conditions:
MYO9B-related disorder. Also called: MYO9B-related condition.

Allele frequency attached by ClinVar (database versions not stated): gnomAD exomes 0.00118 and 0.00324; gnomAD 0.01387 and 0.01296; ESP Exome Variant Server 0.01654; ExAC 0.00396; TOPMed 0.01462; 1000 Genomes Project 0.01538; 1000 Genomes Project 30x 0.01718.
gnomAD v4.1: 3,764 of 1,614,000 alleles (0.23%); highest among the groups gnomAD compares: African/African-American, 4.5%; 80 homozygotes.

Submissions (3):

Labcorp Genetics (formerly Invitae), Labcorp
Classification: Benign. Last evaluated: 2019-12-31. Review status: criteria provided, single submitter. Criteria: Invitae Variant Classification Sherloc (09022015). Collection method: clinical testing. Allele origin: germline.

Breakthrough Genomics
Classification: Benign. Review status: criteria provided, single submitter. Criteria: ACMG Guidelines, 2015. Collection method: not provided. Allele origin: germline. Inheritance: Unknown mechanism. Affected: yes.

PreventionGenetics, part of Exact Sciences
Classification: Benign for MYO9B-related condition. Last evaluated: 2019-09-25. Review status: no assertion criteria provided. Collection method: clinical testing. Allele origin: germline. Not counted in ClinVar's aggregate classification.
Comment: This variant is classified as benign based on ACMG/AMP sequence variant interpretation guidelines (Richards et al. 2015 PMID: 25741868, with internal and published modifications).